The following is an entry in ClinVar:

ClinVar aggregate classification (germline): Uncertain significance (1 of 4 stars; one submission).

Allele frequency attached by ClinVar (database versions not stated): gnomAD exomes 0.00001.
gnomAD v4.1: 8 of 1,563,402 alleles (0.00051%); highest among the groups gnomAD compares: Non-Finnish European, 0.00069%; no homozygotes.

Submission:

Labcorp Genetics (formerly Invitae), Labcorp
Classification: Uncertain significance. Last evaluated: 2021-10-12. Review status: criteria provided, single submitter. Criteria: Invitae Variant Classification Sherloc (09022015). Collection method: clinical testing. Allele origin: germline.
Comment: In summary, the available evidence is currently insufficient to determine the role of this variant in disease. Therefore, it has been classified as a Variant of Uncertain Significance. Algorithms developed to predict the effect of missense changes on protein structure and function output the following: SIFT: "Tolerated"; PolyPhen-2: "Benign"; Align-GVGD: "Class C0". The leucine amino acid residue is found in multiple mammalian species, which suggests that this missense change does not adversely affect protein function. This variant has not been reported in the literature in individuals affected with ARHGEF18-related conditions. This variant is not present in population databases (ExAC no frequency). This sequence change replaces phenylalanine with leucine at codon 112 of the ARHGEF18 protein (p.Phe112Leu). The phenylalanine residue is weakly conserved and there is a small physicochemical difference between phenylalanine and leucine.

NM_001367823.1(ARHGEF18):c.968-68C>G

Gene: ARHGEF18 (Rho/Rac guanine nucleotide exchange factor 18; plus strand). Cytogenetic location: 19p13.2.
Variant type: single nucleotide variant.
Coding change: c.968-68C>G on transcript NM_001367823.1 (MANE Select); 68 bases into the intron before coding-DNA position 968, C replaced by G.
Molecular consequence: intron variant. On other transcripts: missense variant (1), 5 prime UTR variant (1).
Genome position (GRCh38, 1-based): chr19:7,440,276, C>G. VCF-style: chr19-7440276-C-G. GRCh37 (hg19) VCF-style: chr19-7505162-C-G.
Other names: c.174C>G, p.Phe58Leu (NM_001130955.2); c.-139C>G (NM_001367824.1); c.-71-68C>G (NM_015318.4); short protein forms F58L.
Identifiers: ClinVar variation 1386295 (VCV001386295.6), dbSNP rs2145772340, ClinGen allele CA403095010.